The following is an entry in ClinVar:

NM_000428.3(LTBP2):c.2609G>A (p.Cys870Tyr)

Gene: LTBP2 (latent transforming growth factor beta binding protein 2; minus strand). Cytogenetic location: 14q24.3.
Variant type: single nucleotide variant.
Coding change: c.2609G>A on transcript NM_000428.3 (MANE Select); coding-DNA position 2609, G replaced by A.
Protein change: p.Cys870Tyr; replaces cysteine 870 with tyrosine.
Molecular consequence: missense variant.
Genome position (GRCh38, 1-based): chr14:74,522,840, C>T on the plus strand (G>A on the coding strand, the complement: LTBP2 is on the minus strand). VCF-style: chr14-74522840-C-T. GRCh37 (hg19) VCF-style: chr14-74989543-C-T.
Other names: short protein forms C870Y.
Identifiers: ClinVar variation 1715585 (VCV001715585.5), dbSNP rs1386548667, ClinGen allele CA390392268.

ClinVar aggregate classification (germline): Uncertain significance (1 of 4 stars; one submission).

Allele frequency attached by ClinVar (database versions not stated): gnomAD exomes below 0.00001.
gnomAD v4.1: 2 of 1,612,678 alleles (0.00012%); highest among the groups gnomAD compares: Admixed American, 0.0033%; no homozygotes.

Submission:

Labcorp Genetics (formerly Invitae), Labcorp
Classification: Uncertain significance. Last evaluated: 2022-08-12. Review status: criteria provided, single submitter. Criteria: Invitae Variant Classification Sherloc (09022015). Collection method: clinical testing. Allele origin: germline.
Comment: Algorithms developed to predict the effect of missense changes on protein structure and function (SIFT, PolyPhen-2, Align-GVGD) all suggest that this variant is likely to be disruptive. In summary, the available evidence is currently insufficient to determine the role of this variant in disease. Therefore, it has been classified as a Variant of Uncertain Significance. This variant has not been reported in the literature in individuals affected with LTBP2-related conditions. This variant is present in population databases (no rsID available, gnomAD 0.006%). This sequence change replaces cysteine, which is neutral and slightly polar, with tyrosine, which is neutral and polar, at codon 870 of the LTBP2 protein (p.Cys870Tyr).